The following is an entry in ClinVar:

ClinVar aggregate classification (germline): Likely benign (1 of 4 stars; one submission).

Submission:

Mayo Clinic Laboratories, Mayo Clinic
Classification: Likely benign. Last evaluated: 2025-03-20. Review status: criteria provided, single submitter. Criteria: ACMG Guidelines, 2015. Collection method: clinical testing. Allele origin: germline. Observed: 1 variant allele.
Comment: BP4, BP7

NM_000293.3(PHKB):c.1798-29A>G

Gene: PHKB (phosphorylase kinase regulatory subunit beta; plus strand). Cytogenetic location: 16q12.1.
Variant type: single nucleotide variant.
Coding change: c.1798-29A>G on transcript NM_000293.3 (MANE Select); 29 bases into the intron before coding-DNA position 1798, A replaced by G.
Molecular consequence: intron variant.
Genome position (GRCh38, 1-based): chr16:47,650,515, A>G. VCF-style: chr16-47650515-A-G. GRCh37 (hg19) VCF-style: chr16-47684426-A-G.
Other names: p.?; c.1798-29A>G (NM_001363837.1); c.1777-29A>G (NM_001031835.3).
Identifiers: ClinVar variation 4684097 (VCV004684097.1).